The following is an entry in ClinVar:

ClinVar aggregate classification (germline): Uncertain significance (1 of 4 stars; one submission).

Allele frequency attached by ClinVar (database versions not stated): gnomAD 0.00003; gnomAD exomes 0.00003.
gnomAD v4.1: 33 of 1,187,644 alleles (0.0028%); highest among the groups gnomAD compares: Non-Finnish European, 0.0036%; no homozygotes.

Submission:

Labcorp Genetics (formerly Invitae), Labcorp
Classification: Uncertain significance. Last evaluated: 2021-12-27. Review status: criteria provided, single submitter. Criteria: Invitae Variant Classification Sherloc (09022015). Collection method: clinical testing. Allele origin: germline.
Comment: In summary, the available evidence is currently insufficient to determine the role of this variant in disease. Therefore, it has been classified as a Variant of Uncertain Significance. Algorithms developed to predict the effect of missense changes on protein structure and function (SIFT, PolyPhen-2, Align-GVGD) all suggest that this variant is likely to be disruptive. This variant has not been reported in the literature in individuals affected with COL4A6-related conditions. The frequency data for this variant in the population databases is considered unreliable, as metrics indicate poor data quality at this position in the gnomAD database. This sequence change replaces leucine, which is neutral and non-polar, with proline, which is neutral and non-polar, at codon 1423 of the COL4A6 protein (p.Leu1423Pro).

NM_033641.4(COL4A6):c.4265T>C (p.Leu1422Pro)

Gene: COL4A6 (collagen type IV alpha 6 chain; minus strand). Cytogenetic location: Xq22.3.
Variant type: single nucleotide variant.
Coding change: c.4265T>C on transcript NM_033641.4 (MANE Select); coding-DNA position 4265, T replaced by C.
Protein change: p.Leu1422Pro; replaces leucine 1422 with proline.
Molecular consequence: missense variant.
Genome position (GRCh38, 1-based): chrX:108,161,687, A>G on the plus strand (T>C on the coding strand, the complement: COL4A6 is on the minus strand). VCF-style: chrX-108161687-A-G. GRCh37 (hg19) VCF-style: chrX-107404917-A-G.
Other names: c.4316T>C, p.Leu1439Pro (NM_001287758.2); c.4193T>C, p.Leu1398Pro (NM_001287759.2); c.4094T>C, p.Leu1365Pro (NM_001287760.2); c.4268T>C, p.Leu1423Pro (NM_001847.4); short protein forms L1398P, L1439P, L1365P, L1422P, L1423P.
Identifiers: ClinVar variation 2191526 (VCV002191526.4), dbSNP rs1159021291, ClinGen allele CA413851692.